The following is an entry in ClinVar:

ClinVar aggregate classification (germline): Uncertain significance (1 of 4 stars; one submission).

Conditions:
Hypertrophic cardiomyopathy 14. Identifiers: MedGen C2750467, MONDO:0013197, OMIM 613251.

Allele frequency attached by ClinVar (database versions not stated): gnomAD exomes below 0.00001.

Submission:

Labcorp Genetics (formerly Invitae), Labcorp
Classification: Uncertain significance for Hypertrophic cardiomyopathy 14. Last evaluated: 2022-02-05. Review status: criteria provided, single submitter. Criteria: Invitae Variant Classification Sherloc (09022015). Collection method: clinical testing. Allele origin: germline.
Comment: This sequence change replaces glutamine, which is neutral and polar, with arginine, which is basic and polar, at codon 1564 of the MYH6 protein (p.Gln1564Arg). This variant is present in population databases (no rsID available, gnomAD 0.0009%). This variant has not been reported in the literature in individuals affected with MYH6-related conditions. ClinVar contains an entry for this variant (Variation ID: 967967). Algorithms developed to predict the effect of missense changes on protein structure and function are either unavailable or do not agree on the potential impact of this missense change (SIFT: "Tolerated"; PolyPhen-2: "Probably Damaging"; Align-GVGD: "Class C0"). In summary, the available evidence is currently insufficient to determine the role of this variant in disease. Therefore, it has been classified as a Variant of Uncertain Significance.

NM_002471.4(MYH6):c.4691A>G (p.Gln1564Arg)

Genes: MYH6 (myosin heavy chain 6; minus strand), LOC126861896 (BRD4-independent group 4 enhancer GRCh37_chr14:23854904-23856103; plus strand). Cytogenetic location: 14q11.2.
Variant type: single nucleotide variant.
Coding change: c.4691A>G on transcript NM_002471.4 (MANE Select); coding-DNA position 4691, A replaced by G.
Protein change: p.Gln1564Arg; replaces glutamine 1564 with arginine.
Molecular consequence: missense variant.
Genome position (GRCh38, 1-based): chr14:23,386,583, T>C on the plus strand (A>G on the coding strand, the complement: MYH6 is on the minus strand). VCF-style: chr14-23386583-T-C. GRCh37 (hg19) VCF-style: chr14-23855792-T-C.
Other names: short protein forms Q1564R.
Identifiers: ClinVar variation 967967 (VCV000967967.10), dbSNP rs1195354569, ClinGen allele CA388993063.